The following is an entry in ClinVar:

ClinVar aggregate classification (germline): Uncertain significance (1 of 4 stars; one submission).

Conditions:
Hereditary cancer-predisposing syndrome. Also called: Neoplastic Syndromes, Hereditary; Tumor predisposition; Hereditary Cancer Syndrome; Hereditary neoplastic syndrome. Identifiers: Orphanet 140162, MedGen C0027672, MeSH D009386, MONDO:0015356.

Submission:

Ambry Genetics
Classification: Uncertain significance for Hereditary cancer-predisposing syndrome. Last evaluated: 2022-06-03. Review status: criteria provided, single submitter. Criteria: Ambry Variant Classification Scheme 2023. Collection method: clinical testing. Allele origin: germline.
Comment: The p.N408T variant (also known as c.1223A>C), located in coding exon 7 of the DICER1 gene, results from an A to C substitution at nucleotide position 1223. The asparagine at codon 408 is replaced by threonine, an amino acid with similar properties. This amino acid position is conserved. In addition, this alteration is predicted to be tolerated by in silico analysis. Since supporting evidence is limited at this time, the clinical significance of this alteration remains unclear.

NM_177438.3(DICER1):c.1223A>C (p.Asn408Thr)

Gene: DICER1 (dicer 1, ribonuclease III; minus strand). Cytogenetic location: 14q32.13.
Variant type: single nucleotide variant.
Coding change: c.1223A>C on transcript NM_177438.3 (MANE Select); coding-DNA position 1223, A replaced by C.
Protein change: p.Asn408Thr; replaces asparagine 408 with threonine.
Molecular consequence: missense variant. On other transcripts: 5 prime UTR variant (1), non-coding transcript variant (6).
Genome position (GRCh38, 1-based): chr14:95,124,349, T>G on the plus strand (A>C on the coding strand, the complement: DICER1 is on the minus strand). VCF-style: chr14-95124349-T-G. GRCh37 (hg19) VCF-style: chr14-95590686-T-G.
Other names: c.1223A>C, p.Asn408Thr (NM_001195573.1, NM_001271282.3, NM_001291628.2 and 15 more transcripts); c.941A>C, p.Asn314Thr (NM_001395686.1); c.818A>C, p.Asn273Thr (NM_001395687.1, NM_001395688.1, NM_001395689.1 and 3 more transcripts); c.656A>C, p.Asn219Thr (NM_001395691.1); c.-346A>C (NM_001395697.1); short protein forms N408T, N219T, N273T, N314T.
Identifiers: ClinVar variation 1753543 (VCV001753543.2), dbSNP rs1893203328, ClinGen allele CA390886628.